The following is an entry in ClinVar:

NM_000155.4(GALT):c.268G>C (p.Asp90His)

Gene: GALT (galactose-1-phosphate uridylyltransferase; plus strand). Cytogenetic location: 9p13.3.
Variant type: single nucleotide variant.
Coding change: c.268G>C on transcript NM_000155.4 (MANE Select); coding-DNA position 268, G replaced by C.
Protein change: p.Asp90His; replaces aspartic acid 90 with histidine.
Molecular consequence: missense variant. On other transcripts: intron variant (1).
Genome position (GRCh38, 1-based): chr9:34,647,507, G>C. VCF-style: chr9-34647507-G-C. GRCh37 (hg19) VCF-style: chr9-34647504-G-C.
Other names: c.50+249G>C (NM_001258332.2); short protein forms D90H.
Identifiers: ClinVar variation 495675 (VCV000495675.2), dbSNP rs201330799, ClinGen allele CA5036080.
Genomic context (GRCh38, chr9:34,647,507, plus strand): 5'-GGTGGTATGGGGCAGTGAGTGCTTCTAGCCTATCCTTGTCGGTAGGTGAATCCCCAGTAC[G>C]ATAGCACCTTCCTGTTTGACAACGACTTCCCAGCTCTGCAGCCTGATGCCCCCAGTCCAG-3'
Protein context (NP_000146.2, residues 80-100): RANGEVNPQY[Asp90His]STFLFDNDFP

ClinVar aggregate classification (germline): Uncertain significance. Review status: criteria provided, single submitter (1 of 4 stars). 2 submissions from 2 submitters: Uncertain significance (1). 1 of the submissions does not count toward it. Last evaluated 2016-02-19.

Conditions:
Galactosemia. Also called: Galactose intolerance. Identifiers: Orphanet 352, MedGen C0016952, MONDO:0018116, HP:0004919. Disease mechanism: loss of function.

Allele frequency attached by ClinVar (database versions not stated): ExAC 0.00002; gnomAD exomes 0.00002; 1000 Genomes Project 30x 0.00031; 1000 Genomes Project 0.00040.
gnomAD v4.1: 12 of 1,614,128 alleles (0.00074%); highest among the groups gnomAD compares: African/African-American, 0.011%; no homozygotes.

Submissions (2):

Women's Health and Genetics/Laboratory Corporation of America, LabCorp
Classification: Uncertain significance. Last evaluated: 2016-02-19. Review status: criteria provided, single submitter. Criteria: LabCorp Variant Classification Summary - May 2015. Collection method: clinical testing. Allele origin: germline.
Comment: Variant summary: The GALT c.268G>C variant affects a non-conserved nucleotide, resulting in amino acid change from Asp to His. 2/4 in-silico tools predict this variant to be benign (SNPs&GO not captured due to low reliability index). This variant is found in 2/121412 control chromosomes at a frequency of 0.0000165, which does not significantly exceed maximal expected frequency of a pathogenic allele (0.0028868). The variant of interest has not, to our knowledge, been reported in affected individuals via publications and/or reputable databases/clinical laboratories; nor evaluated for functional impact by in vivo/vitro studies. Because of the absence of clinical information and the lack of functional studies, the variant was classified as a variant of uncertain significance (VUS) until additional information becomes available.

Natera, Inc.
Classification: Uncertain significance for Galactosemia. Last evaluated: 2017-05-09. Review status: no assertion criteria provided. Collection method: clinical testing. Allele origin: germline. Not counted in ClinVar's aggregate classification.